The following is an entry in ClinVar:

ClinVar aggregate classification (germline): Uncertain significance. Review status: criteria provided, multiple submitters, no conflicts (2 of 4 stars). 2 submissions from 2 submitters: Uncertain significance (2). Last evaluated 2026-03-04.

Conditions:
Inborn genetic diseases. Identifiers: MedGen C0950123, MeSH D030342.

gnomAD v4.1: 14 of 1,613,960 alleles (0.00087%); highest among the groups gnomAD compares: Admixed American, 0.0083%; no homozygotes.

Submissions (2):

GeneDx
Classification: Uncertain significance. Last evaluated: 2026-03-04. Review status: criteria provided, single submitter. Criteria: GeneDx Variant Classification Process June 2021. Collection method: clinical testing. Allele origin: germline.
Comment: In silico analysis suggests that this missense variant does not alter protein structure/function; Has not been previously published as pathogenic or benign to our knowledge

Ambry Genetics
Classification: Uncertain significance for Inborn genetic diseases. Last evaluated: 2025-08-31. Review status: criteria provided, single submitter. Criteria: Ambry Variant Classification Scheme 2023. Collection method: clinical testing. Allele origin: germline.

NM_139315.3(TAF6):c.1103C>T (p.Thr368Met)

Genes: AP4M1 (adaptor related protein complex 4 subunit mu 1; plus strand), TAF6 (TATA-box binding protein associated factor 6; minus strand). Cytogenetic location: 7q22.1.
Variant type: single nucleotide variant.
Coding change: c.1103C>T on transcript NM_139315.3 (MANE Select); coding-DNA position 1103, C replaced by T.
Protein change: p.Thr368Met; replaces threonine 368 with methionine.
Molecular consequence: missense variant. On other transcripts: non-coding transcript variant (1).
Genome position (GRCh38, 1-based): chr7:100,110,255, G>A on the plus strand (C>T on the coding strand, the complement: TAF6 is on the minus strand). VCF-style: chr7-100110255-G-A. GRCh37 (hg19) VCF-style: chr7-99707878-G-A.
Other names: c.1103C>T (NM_005641.3); c.1214C>T, p.Thr405Met (NM_001190415.2); c.1103C>T, p.Thr368Met (NM_001364998.1, NM_001364999.1, NM_005641.4); c.1073C>T, p.Thr358Met (NM_001365000.1, NM_001365001.1, NM_001365002.1 and 1 more transcripts); c.1241C>T, p.Thr414Met (NM_001365004.1); short protein forms T414M, T358M, T368M, T405M.
Identifiers: ClinVar variation 4179713 (VCV004179713.2).
Genomic context (GRCh38, chr7:100,110,255, plus strand): 5'-CTAACATCGTGTCCCAGCTCAGCCAAGCCTGCGATGGAGCCATAACGAGTCGTCCAGGGC[G>A]TCTTCTCGTCCACCCAGCTCTGTAAGGGGAAGGAAATAAACTAAGATGAAGGGGTCTGAA-3'
Protein context (NP_647476.1, residues 358-378): TFTKSWVDEK[Thr368Met]PWTTRYGSIA